The following is an entry in ClinVar:

ClinVar aggregate classification (germline): Uncertain significance. Review status: criteria provided, multiple submitters, no conflicts (2 of 4 stars). 2 submissions from 2 submitters: Uncertain significance (2). Last evaluated 2023-02-24.

gnomAD v4.1: 6 of 1,613,566 alleles (0.00037%); highest among the groups gnomAD compares: South Asian, 0.0066%; no homozygotes.

Submissions (2):

Blueprint Genetics
Classification: Uncertain significance. Last evaluated: 2023-02-24. Review status: criteria provided, single submitter. Criteria: ACMG Guidelines, 2015. Collection method: clinical testing. Allele origin: germline.

Labcorp Genetics (formerly Invitae), Labcorp
Classification: Uncertain significance. Last evaluated: 2022-07-25. Review status: criteria provided, single submitter. Criteria: Invitae Variant Classification Sherloc (09022015). Collection method: clinical testing. Allele origin: germline.
Comment: ClinVar contains an entry for this variant (Variation ID: 1378805). Algorithms developed to predict the effect of missense changes on protein structure and function output the following: SIFT: "Tolerated"; PolyPhen-2: "Benign"; Align-GVGD: "Class C0". The leucine amino acid residue is found in multiple mammalian species, which suggests that this missense change does not adversely affect protein function. In summary, the available evidence is currently insufficient to determine the role of this variant in disease. Therefore, it has been classified as a Variant of Uncertain Significance. This variant has not been reported in the literature in individuals affected with EFEMP1-related conditions. This variant is not present in population databases (gnomAD no frequency). This sequence change replaces valine, which is neutral and non-polar, with leucine, which is neutral and non-polar, at codon 481 of the EFEMP1 protein (p.Val481Leu).

NM_001039348.3(EFEMP1):c.1441G>T (p.Val481Leu)

Gene: EFEMP1 (EGF-like fibulin extracellular matrix protein 1; minus strand). Cytogenetic location: 2p16.1.
Variant type: single nucleotide variant.
Coding change: c.1441G>T on transcript NM_001039348.3 (MANE Select); coding-DNA position 1441, G replaced by T.
Protein change: p.Val481Leu; replaces valine 481 with leucine.
Molecular consequence: missense variant.
Genome position (GRCh38, 1-based): chr2:55,867,114, C>A on the plus strand (G>T on the coding strand, the complement: EFEMP1 is on the minus strand). VCF-style: chr2-55867114-C-A. GRCh37 (hg19) VCF-style: chr2-56094249-C-A.
Other names: c.1441G>T, p.Val481Leu (NM_001039349.3); short protein forms V481L.
Identifiers: ClinVar variation 1378805 (VCV001378805.7), dbSNP rs1668605199, ClinGen allele CA347027357.